The following is an entry in ClinVar:

NM_001753.5(CAV1):c.475C>G (p.Leu159Val)

Gene: CAV1 (caveolin 1; plus strand). Cytogenetic location: 7q31.2.
Variant type: single nucleotide variant.
Coding change: c.475C>G on transcript NM_001753.5 (MANE Select); coding-DNA position 475, C replaced by G.
Protein change: p.Leu159Val; replaces leucine 159 with valine.
Molecular consequence: missense variant.
Genome position (GRCh38, 1-based): chr7:116,559,225, C>G. VCF-style: chr7-116559225-C-G. GRCh37 (hg19) VCF-style: chr7-116199279-C-G.
Other names: c.382C>G, p.Leu128Val (NM_001172895.1, NM_001172896.2, NM_001172897.2); short protein forms L128V, L159V.
Identifiers: ClinVar variation 1742881 (VCV001742881.2), dbSNP rs2485219864, ClinGen allele CA369117566.

ClinVar aggregate classification (germline): Uncertain significance (1 of 4 stars; one submission).

Conditions:
Inborn genetic diseases. Identifiers: MedGen C0950123, MeSH D030342.

Submission:

Ambry Genetics
Classification: Uncertain significance for Inborn genetic diseases. Last evaluated: 2022-10-17. Review status: criteria provided, single submitter. Criteria: Ambry Variant Classification Scheme 2023. Collection method: clinical testing. Allele origin: germline.
Comment: The p.L159V variant (also known as c.475C>G), located in coding exon 3 of the CAV1 gene, results from a C to G substitution at nucleotide position 475. The leucine at codon 159 is replaced by valine, an amino acid with highly similar properties. This amino acid position is conserved. In addition, the in silico prediction for this alteration is inconclusive. Since supporting evidence is limited at this time, the clinical significance of this alteration remains unclear.